The following is an entry in ClinVar:

NM_000059.4(BRCA2):c.1369A>C (p.Lys457Gln)

Gene: BRCA2 (BRCA2 DNA repair associated; plus strand). Cytogenetic location: 13q13.1.
Variant type: single nucleotide variant.
Coding change: c.1369A>C on transcript NM_000059.4 (MANE Select); coding-DNA position 1369, A replaced by C.
Protein change: p.Lys457Gln; replaces lysine 457 with glutamine.
Molecular consequence: missense variant. On other transcripts: non-coding transcript variant (1), intron variant (1).
Genome position (GRCh38, 1-based): chr13:32,332,847, A>C. VCF-style: chr13-32332847-A-C. GRCh37 (hg19) VCF-style: chr13-32906984-A-C.
Other names: c.1369A>C, p.Lys457Gln (NM_001406719.1, NM_001406720.1, NM_001406721.1); c.424+1817A>C (NM_001406722.1); short protein forms K457Q.
Identifiers: ClinVar variation 2754783 (VCV002754783.3), dbSNP rs2137470742, ClinGen allele CA387762905.
Genomic context (GRCh38, chr13:32,332,847, plus strand): 5'-AAAGATTTTCTTACTTCAGAGAATTCTTTGCCACGTATTTCTAGCCTACCAAAATCAGAG[A>C]AGCCATTAAATGAGGAAACAGTGGTAAATAAGAGAGATGAAGAGCAGCATCTTGAATCTC-3'
Protein context (NP_000050.3, residues 447-467): PRISSLPKSE[Lys457Gln]PLNEETVVNK

ClinVar aggregate classification (germline): Uncertain significance (1 of 4 stars; one submission).

Conditions:
Hereditary breast ovarian cancer syndrome. Also called: Hereditary breast and ovarian cancer; Hereditary breast and ovarian cancer syndrome; Breast and ovarian cancer; BRCA1- and BRCA2-Associated Hereditary Breast and Ovarian Cancer; Hereditary breast and ovarian cancer syndrome (HBOC); Hereditary breast and/or ovarian cancer syndrome. Identifiers: Orphanet 145, MedGen C0677776, MeSH D061325, MONDO:0003582. Disease mechanism: loss of function.

Submission:

Labcorp Genetics (formerly Invitae), Labcorp
Classification: Uncertain significance for Hereditary breast ovarian cancer syndrome. Last evaluated: 2023-12-22. Review status: criteria provided, single submitter. Criteria: Invitae Variant Classification Sherloc (09022015). Collection method: clinical testing. Allele origin: germline.
Comment: This sequence change replaces lysine, which is basic and polar, with glutamine, which is neutral and polar, at codon 457 of the BRCA2 protein (p.Lys457Gln). This variant is not present in population databases (gnomAD no frequency). This variant has not been reported in the literature in individuals affected with BRCA2-related conditions. Advanced modeling of protein sequence and biophysical properties (such as structural, functional, and spatial information, amino acid conservation, physicochemical variation, residue mobility, and thermodynamic stability) performed at Invitae indicates that this missense variant is not expected to disrupt BRCA2 protein function with a negative predictive value of 95%. In summary, the available evidence is currently insufficient to determine the role of this variant in disease. Therefore, it has been classified as a Variant of Uncertain Significance.